The following is an entry in ClinVar:

ClinVar aggregate classification (germline): Uncertain significance. Review status: criteria provided, multiple submitters, no conflicts (2 of 4 stars). 2 submissions from 2 submitters: Uncertain significance (2). Last evaluated 2024-01-25.

Conditions:
Hereditary cancer-predisposing syndrome. Also called: Hereditary neoplastic syndrome; Tumor predisposition; Neoplastic Syndromes, Hereditary; Hereditary Cancer Syndrome. Identifiers: Orphanet 140162, MedGen C0027672, MeSH D009386, MONDO:0015356.
Tuberous sclerosis 2 (TSC2). Identifiers: Orphanet 805, MedGen C1860707, MONDO:0013199, OMIM 613254.

Submissions (2):

Labcorp Genetics (formerly Invitae), Labcorp
Classification: Uncertain significance for Tuberous sclerosis 2. Last evaluated: 2024-01-25. Review status: criteria provided, single submitter. Criteria: Invitae Variant Classification Sherloc (09022015). Collection method: clinical testing. Allele origin: germline.
Comment: This sequence change replaces leucine, which is neutral and non-polar, with proline, which is neutral and non-polar, at codon 45 of the TSC2 protein (p.Leu45Pro). This variant is not present in population databases (gnomAD no frequency). This variant has not been reported in the literature in individuals affected with TSC2-related conditions. ClinVar contains an entry for this variant (Variation ID: 951243). Advanced modeling of protein sequence and biophysical properties (such as structural, functional, and spatial information, amino acid conservation, physicochemical variation, residue mobility, and thermodynamic stability) performed at Invitae indicates that this missense variant is not expected to disrupt TSC2 protein function with a negative predictive value of 95%. In summary, the available evidence is currently insufficient to determine the role of this variant in disease. Therefore, it has been classified as a Variant of Uncertain Significance.

Ambry Genetics
Classification: Uncertain significance for Hereditary cancer-predisposing syndrome. Last evaluated: 2022-05-11. Review status: criteria provided, single submitter. Criteria: Ambry Variant Classification Scheme 2023. Collection method: clinical testing. Allele origin: germline.
Comment: The p.L45P variant (also known as c.134T>C), located in coding exon 1 of the TSC2 gene, results from a T to C substitution at nucleotide position 134. The leucine at codon 45 is replaced by proline, an amino acid with similar properties. This amino acid position is conserved. In addition, this alteration is predicted to be deleterious by in silico analysis. Since supporting evidence is limited at this time, the clinical significance of this alteration remains unclear.

NM_000548.5(TSC2):c.134T>C (p.Leu45Pro)

Gene: TSC2 (TSC complex subunit 2; plus strand). Cytogenetic location: 16p13.3.
Variant type: single nucleotide variant.
Coding change: c.134T>C on transcript NM_000548.5 (MANE Select); coding-DNA position 134, T replaced by C.
Protein change: p.Leu45Pro; replaces leucine 45 with proline.
Molecular consequence: missense variant. On other transcripts: 5 prime UTR variant (1), intron variant (1).
Genome position (GRCh38, 1-based): chr16:2,048,749, T>C. VCF-style: chr16-2048749-T-C. GRCh37 (hg19) VCF-style: chr16-2098750-T-C.
Other names: c.134T>C, p.Leu45Pro (NM_001077183.3, NM_001114382.3, NM_001318827.2 and 4 more transcripts); c.-93T>C (NM_001318831.2); c.167T>C, p.Leu56Pro (NM_001318832.2); c.-10+684T>C (NM_001318829.2); short protein forms L45P, L56P.
Identifiers: ClinVar variation 951243 (VCV000951243.12), dbSNP rs1383831944, ClinGen allele CA394301801.